The following is an entry in ClinVar:

NM_000059.4(BRCA2):c.5987C>G (p.Ala1996Gly)

Gene: BRCA2 (BRCA2 DNA repair associated; plus strand). Cytogenetic location: 13q13.1.
Variant type: single nucleotide variant.
Coding change: c.5987C>G on transcript NM_000059.4 (MANE Select); coding-DNA position 5987, C replaced by G.
Protein change: p.Ala1996Gly; replaces alanine 1996 with glycine.
Molecular consequence: missense variant.
Genome position (GRCh38, 1-based): chr13:32,340,342, C>G. VCF-style: chr13-32340342-C-G. GRCh37 (hg19) VCF-style: chr13-32914479-C-G.
Other names: short protein forms A1996G.
Identifiers: ClinVar variation 187639 (VCV000187639.20), dbSNP rs80358834, ClinGen allele CA023462.
Genomic context (GRCh38, chr13:32,340,342, plus strand): 5'-GGATTTTTAGCACAGCAAGTGGAAAATCTGTCCAGGTATCAGATGCTTCATTACAAAACG[C>G]AAGACAAGTGTTTTCTGAAATAGAAGATAGTACCAAGCAAGTCTTTTCCAAAGTATTGTT-3'
Protein context (NP_000050.3, residues 1986-2006): VQVSDASLQN[Ala1996Gly]RQVFSEIEDS

ClinVar aggregate classification (germline): Conflicting classifications of pathogenicity. Review status: criteria provided, conflicting classifications (1 of 4 stars). 7 submissions from 7 submitters: Uncertain significance (5); Likely benign (2). Last evaluated 2024-02-09.

Conditions:
Breast and/or ovarian cancer. Identifiers: MedGen CN221562.
Hereditary breast ovarian cancer syndrome. Also called: Hereditary breast and ovarian cancer; Hereditary breast and ovarian cancer syndrome; Breast and ovarian cancer; Hereditary breast and ovarian cancer syndrome (HBOC); Hereditary breast and/or ovarian cancer syndrome; BRCA1- and BRCA2-Associated Hereditary Breast and Ovarian Cancer. Identifiers: Orphanet 145, MedGen C0677776, MeSH D061325, MONDO:0003582. Disease mechanism: loss of function.
Hereditary cancer-predisposing syndrome. Also called: Hereditary Cancer Syndrome; Neoplastic Syndromes, Hereditary; Tumor predisposition; Hereditary neoplastic syndrome. Identifiers: Orphanet 140162, MedGen C0027672, MeSH D009386, MONDO:0015356.
Familial cancer of breast. Also called: BREAST CANCER, FAMILIAL; Hereditary breast cancer; hereditary breast carcinoma. Identifiers: Orphanet 227535, MedGen C0346153, MONDO:0016419, OMIM 114480. Disease mechanism: loss of function.
Breast-ovarian cancer, familial, susceptibility to, 2 (BROVCA2). Also called: BRCA2 Hereditary Breast and Ovarian Cancer. Identifiers: Orphanet 145, MedGen C2675520, MONDO:0012933, OMIM 612555. Disease mechanism: loss of function.

Submissions (7):

MGZ Medical Genetics Center
Classification: Likely benign for Familial cancer of breast. Last evaluated: 2024-02-09. Review status: criteria provided, single submitter. Criteria: CSpec BRCA1/2ACMG Rules Specifications V1.1.0. Collection method: clinical testing. Allele origin: germline. Affected: yes.
Comment: ACMG codes applied following ENIGMA VCEP rules: BP1_STR, PM2_SUP

Color Diagnostics, LLC DBA Color Health
Classification: Uncertain significance for Hereditary cancer-predisposing syndrome. Last evaluated: 2024-01-08. Review status: criteria provided, single submitter. Criteria: ACMG Guidelines, 2015. Collection method: clinical testing. Allele origin: germline.
Comment: This missense variant replaces alanine with glycine at codon 1996 of the BRCA2 protein. Computational prediction is inconclusive regarding the impact of this variant on protein structure and function (internally defined REVEL score threshold 0.5 < inconclusive < 0.7, PMID: 27666373). To our knowledge, functional studies have not been reported for this variant. This variant has been reported in 1 individual affected with breast cancer, this individual also carried a pathogenic CNV in BRCA2 that could explain the observed phenotype (PMID: 19471317). This variant has not been identified in the general population by the Genome Aggregation Database (gnomAD). The available evidence is insufficient to determine the role of this variant in disease conclusively. Therefore, this variant is classified as a Variant of Uncertain Significance.

Labcorp Genetics (formerly Invitae), Labcorp
Classification: Uncertain significance for Hereditary breast ovarian cancer syndrome. Last evaluated: 2023-12-28. Review status: criteria provided, single submitter. Criteria: Invitae Variant Classification Sherloc (09022015). Collection method: clinical testing. Allele origin: germline.
Comment: This sequence change replaces alanine, which is neutral and non-polar, with glycine, which is neutral and non-polar, at codon 1996 of the BRCA2 protein (p.Ala1996Gly). RNA analysis indicates that this missense change induces altered splicing and may result in an absent or disrupted protein product. This variant is not present in population databases (gnomAD no frequency). This missense change has been observed in individual(s) with breast and/or ovarian cancer (PMID: 19471317). ClinVar contains an entry for this variant (Variation ID: 187639). Advanced modeling of protein sequence and biophysical properties (such as structural, functional, and spatial information, amino acid conservation, physicochemical variation, residue mobility, and thermodynamic stability) performed at Invitae indicates that this missense variant is not expected to disrupt BRCA2 protein function with a negative predictive value of 95%. Studies have shown that this missense change results in skipping of exons 11 and 12 (also known as exons 12 and 13) and introduces a premature termination codon (PMID: 19471317). The resulting mRNA is expected to undergo nonsense-mediated decay. In summary, the available evidence is currently insufficient to determine the role of this variant in disease. Therefore, it has been classified as a Variant of Uncertain Significance.

Department of Pathology and Laboratory Medicine, Sinai Health System
Classification: Uncertain significance for Familial cancer of breast; Breast-ovarian cancer, familial, susceptibility to, 2. Last evaluated: 2023-08-23. Review status: criteria provided, single submitter. Criteria: ACMG Guidelines, 2015. Collection method: clinical testing. Allele origin: germline. Affected: yes.

University of Washington Department of Laboratory Medicine, University of Washington
Classification: Likely benign for Hereditary cancer-predisposing syndrome. Last evaluated: 2023-03-23. Review status: criteria provided, single submitter. Criteria: Dines et al. (Genet Med. 2020). Collection method: curation. Allele origin: germline.
Comment: Missense variant in a coldspot region where missense variants are very unlikely to be pathogenic (PMID:31911673).

BRCA2 exon 11 coldspot. Reclassification based on statistical prior probability.

CHEO Genetics Diagnostic Laboratory, Children's Hospital of Eastern Ontario
Classification: Uncertain significance for Breast and/or ovarian cancer. Last evaluated: 2022-02-23. Review status: criteria provided, single submitter. Criteria: ACMG Guidelines, 2015. Collection method: clinical testing. Allele origin: germline.

Ambry Genetics
Classification: Uncertain significance for Hereditary cancer-predisposing syndrome. Last evaluated: 2014-12-23. Review status: criteria provided, single submitter. Criteria: Ambry Variant Classification Scheme 2023. Collection method: clinical testing. Allele origin: germline.
Comment: The p.A1996G variant (also known as c.5987C>G and 6215C>G), located in coding exon 10 of the BRCA2 gene, results from a C to G substitution at nucleotide position 5987. The alanine at codon 1996 is replaced by glycine, an amino acid with similar properties. Subsequent genomic analysis showed a genomic deletion encompassing exons 12 and 13 (Caux-Moncoutier V, Eur. J. Hum. Genet. 2009 Nov; 17(11):1471-80). This variant was not reported in population based cohorts in the following databases: Database of Single Nucleotide Polymorphisms (dbSNP), NHLBI Exome Sequencing Project (ESP), and 1000 Genomes Project. In the ESP, this variant was not observed in 6500 samples (13000 alleles) with coverage at this position. To date, this alteration has been detected with an allele frequency of approximately 0.001% (greater than 105000 alleles tested) in our clinical cohort. This amino acid position is well conserved in available vertebrate species. In addition, the in silico prediction for this alteration is inconclusive. Since supporting evidence is limited at this time, the clinical significance of p.A1996G remains unclear.

Literature cited by the submitters: PubMed 19471317 (cited by 4 submitters).